The following is an entry in ClinVar:

NM_005035.4(POLRMT):c.3084C>T (p.Ala1028=)

Gene: POLRMT (RNA polymerase mitochondrial; minus strand). Cytogenetic location: 19p13.3.
Variant type: single nucleotide variant.
Coding change: c.3084C>T on transcript NM_005035.4 (MANE Select); coding-DNA position 3084, C replaced by T.
Protein change: p.Ala1028=; no amino-acid change (alanine 1028 retained).
Molecular consequence: synonymous variant. On other transcripts: non-coding transcript variant (1), intron variant (2).
Genome position (GRCh38, 1-based): chr19:619,279, G>A on the plus strand (C>T on the coding strand, the complement: POLRMT is on the minus strand). VCF-style: chr19-619279-G-A. GRCh37 (hg19) VCF-style: chr19-619279-G-A.
Other names: c.3084C>T, p.Ala1028= (NM_001407805.1, NM_001407816.1); c.3075C>T, p.Ala1025= (NM_001407806.1, NM_001407809.1); c.3072C>T, p.Ala1024= (NM_001407807.1, NM_001407810.1); c.3093C>T, p.Ala1031= (NM_001407808.1); c.3042C>T, p.Ala1014= (NM_001407811.1, NM_001407813.1); c.3006C>T, p.Ala1002= (NM_001407814.1, NM_001407815.1); c.2961C>T, p.Ala987= (NM_001407829.1); c.2859C>T, p.Ala953= (NM_001407830.1, NM_001407832.1); and 5 more.
Identifiers: ClinVar variation 2648851 (VCV002648851.24), dbSNP rs973019239, ClinGen allele CA303937132.

ClinVar aggregate classification (germline): Likely benign (1 of 4 stars; one submission).

gnomAD v4.1: 5 of 1,608,338 alleles (0.00031%); highest among the groups gnomAD compares: Middle Eastern, 0.022%; no homozygotes.

Submission:

CeGaT Center for Human Genetics Tuebingen
Classification: Likely benign. Last evaluated: 2023-02-01. Review status: criteria provided, single submitter. Criteria: CeGaT Center For Human Genetics Tuebingen Variant Classification Criteria Version 2. Collection method: clinical testing. Allele origin: germline. Affected: yes. Observed: 1 variant allele.
Comment: POLRMT: BP4, BP7